The following is an entry in ClinVar:

ClinVar aggregate classification (germline): Uncertain significance (1 of 4 stars; one submission).

Submission:

Ambry Genetics
Classification: Uncertain significance. Last evaluated: 2024-02-22. Review status: criteria provided, single submitter. Criteria: Ambry Variant Classification Scheme 2023. Collection method: clinical testing. Allele origin: germline.
Comment: The p.T859I variant (also known as c.2576C>T), located in coding exon 4 of the ALPK2 gene, results from a C to T substitution at nucleotide position 2576. The threonine at codon 859 is replaced by isoleucine, an amino acid with similar properties. This amino acid position is conserved. In addition, this alteration is predicted to be tolerated by in silico analysis. Based on the available evidence, the clinical significance of this alteration remains unclear.

NM_052947.4(ALPK2):c.2576C>T (p.Thr859Ile)

Gene: ALPK2 (alpha kinase 2; minus strand). Cytogenetic location: 18q21.31.
Variant type: single nucleotide variant.
Coding change: c.2576C>T on transcript NM_052947.4 (MANE Select); coding-DNA position 2576, C replaced by T.
Protein change: p.Thr859Ile; replaces threonine 859 with isoleucine.
Molecular consequence: missense variant.
Genome position (GRCh38, 1-based): chr18:58,537,611, G>A on the plus strand (C>T on the coding strand, the complement: ALPK2 is on the minus strand). VCF-style: chr18-58537611-G-A. GRCh37 (hg19) VCF-style: chr18-56204843-G-A.
Other names: short protein forms T859I.
Identifiers: ClinVar variation 3228634 (VCV003228634.1), dbSNP rs2518877502, ClinGen allele CA402570232.